The following is an entry in ClinVar:

NM_016156.6(MTMR2):c.*1934T>C

Gene: MTMR2 (myotubularin related protein 2; minus strand). Cytogenetic location: 11q21.
Variant type: single nucleotide variant.
Coding change: c.*1934T>C on transcript NM_016156.6 (MANE Select); 1934 bases downstream of the stop codon, T replaced by C.
Molecular consequence: 3 prime UTR variant.
Genome position (GRCh38, 1-based): chr11:95,833,356, A>G on the plus strand (T>C on the coding strand, the complement: MTMR2 is on the minus strand). VCF-style: chr11-95833356-A-G. GRCh37 (hg19) VCF-style: chr11-95566520-A-G.
Other names: c.*1934T>C (NM_001243571.2, NM_201278.3, NM_201281.3).
Identifiers: ClinVar variation 306506 (VCV000306506.6), dbSNP rs525404, ClinGen allele CA10631747.

ClinVar aggregate classification (germline): Benign. Review status: criteria provided, multiple submitters, no conflicts (2 of 4 stars). 2 submissions from 2 submitters: Benign (2). Last evaluated 2018-01-12.

Conditions:
Charcot-Marie-Tooth disease type 4B1. Also called: CHARCOT-MARIE-TOOTH DISEASE, AUTOSOMAL RECESSIVE, WITH FOCALLY FOLDED MYELIN SHEATHS, AUTOSOMAL RECESSIVE, TYPE 4B1; CHARCOT-MARIE-TOOTH DISEASE, TYPE 4B; Charcot-Marie-Tooth Neuropathy Type 4B1; CHARCOT-MARIE-TOOTH DISEASE, DEMYELINATING, TYPE 4B1. Identifiers: Orphanet 99955, MedGen C1832399, MONDO:0011066, OMIM 601382.

Allele frequency attached by ClinVar (database versions not stated): 1000 Genomes Project 30x 0.19956; 1000 Genomes Project 0.20347; gnomAD 0.27449 and 0.27753; TOPMed 0.27491; gnomAD exomes 1.00000.
gnomAD v4.1: 41,930 of 152,056 alleles (28%); highest among the groups gnomAD compares: Non-Finnish European, 38%; 7,030 homozygotes.

Submissions (2):

Illumina Laboratory Services, Illumina
Classification: Benign for Charcot-Marie-Tooth disease type 4B1. Last evaluated: 2018-01-12. Review status: criteria provided, single submitter. Criteria: ICSL Variant Classification Criteria 13 December 2019. Collection method: clinical testing. Allele origin: germline.
Comment: This variant was observed in the ICSL laboratory as part of a predisposition screen in an ostensibly healthy population. It had not been previously curated by ICSL or reported in the Human Gene Mutation Database (HGMD: prior to June 1st, 2018), and was therefore a candidate for classification through an automated scoring system. Utilizing variant allele frequency, disease prevalence and penetrance estimates, and inheritance mode, an automated score was calculated to assess if this variant is too frequent to cause the disease. Based on the score and internal cut-off values, a variant classified as benign is not then subjected to further curation. The score for this variant resulted in a classification of benign for this disease.

Breakthrough Genomics
Classification: Benign. Review status: criteria provided, single submitter. Criteria: ACMG Guidelines, 2015. Collection method: not provided. Allele origin: germline. Inheritance: Autosomal recessive inheritance. Affected: yes.